The following is an entry in ClinVar:

ClinVar aggregate classification (germline): Uncertain significance (1 of 4 stars; one submission).

Conditions:
Catecholaminergic polymorphic ventricular tachycardia 1. Also called: RYR2-Related Catecholaminergic Polymorphic Ventricular Tachycardia; VENTRICULAR TACHYCARDIA, CATECHOLAMINERGIC POLYMORPHIC, 1, WITH OR WITHOUT ATRIAL DYSFUNCTION AND/OR DILATED CARDIOMYOPATHY; VENTRICULAR TACHYCARDIA, STRESS-INDUCED POLYMORPHIC 1. Identifiers: Orphanet 3286, MedGen C1631597, MONDO:0011484, OMIM 604772.

Allele frequency attached by ClinVar (database versions not stated): gnomAD exomes below 0.00001.
gnomAD v4.1: 3 of 1,611,486 alleles (0.00019%); highest among the groups gnomAD compares: East Asian, 0.0045%; no homozygotes.

Submission:

Labcorp Genetics (formerly Invitae), Labcorp
Classification: Uncertain significance for Catecholaminergic polymorphic ventricular tachycardia 1. Last evaluated: 2022-03-20. Review status: criteria provided, single submitter. Criteria: Invitae Variant Classification Sherloc (09022015). Collection method: clinical testing. Allele origin: germline.
Comment: This sequence change replaces aspartic acid, which is acidic and polar, with glutamic acid, which is acidic and polar, at codon 2473 of the RYR2 protein (p.Asp2473Glu). This variant is not present in population databases (gnomAD no frequency). This variant has not been reported in the literature in individuals affected with RYR2-related conditions. Advanced modeling of protein sequence and biophysical properties (such as structural, functional, and spatial information, amino acid conservation, physicochemical variation, residue mobility, and thermodynamic stability) performed at Invitae indicates that this missense variant is not expected to disrupt RYR2 protein function. In summary, the available evidence is currently insufficient to determine the role of this variant in disease. Therefore, it has been classified as a Variant of Uncertain Significance.

NM_001035.3(RYR2):c.7419C>G (p.Asp2473Glu)

Gene: RYR2 (ryanodine receptor 2; plus strand). Cytogenetic location: 1q43.
Variant type: single nucleotide variant.
Coding change: c.7419C>G on transcript NM_001035.3 (MANE Select); coding-DNA position 7419, C replaced by G.
Protein change: p.Asp2473Glu; replaces aspartic acid 2473 with glutamic acid.
Molecular consequence: missense variant.
Genome position (GRCh38, 1-based): chr1:237,648,520, C>G. VCF-style: chr1-237648520-C-G. GRCh37 (hg19) VCF-style: chr1-237811820-C-G.
Other names: short protein forms D2473E.
Identifiers: ClinVar variation 1922053 (VCV001922053.2), dbSNP rs2148789761, ClinGen allele CA345398290.